The following is an entry in ClinVar:

NM_005431.2(XRCC2):c.793T>A (p.Leu265Ile)

Gene: XRCC2 (X-ray repair cross complementing 2; minus strand). Cytogenetic location: 7q36.1.
Variant type: single nucleotide variant.
Coding change: c.793T>A on transcript NM_005431.2 (MANE Select); coding-DNA position 793, T replaced by A.
Protein change: p.Leu265Ile; replaces leucine 265 with isoleucine.
Molecular consequence: missense variant.
Genome position (GRCh38, 1-based): chr7:152,648,692, A>T on the plus strand (T>A on the coding strand, the complement: XRCC2 is on the minus strand). VCF-style: chr7-152648692-A-T. GRCh37 (hg19) VCF-style: chr7-152345777-A-T.
Other names: short protein forms L265I.
Identifiers: ClinVar variation 1761324 (VCV001761324.2), dbSNP rs1192391416, ClinGen allele CA370197926.

ClinVar aggregate classification (germline): Uncertain significance (1 of 4 stars; one submission).

Conditions:
Hereditary cancer-predisposing syndrome. Also called: Neoplastic Syndromes, Hereditary; Tumor predisposition; Hereditary Cancer Syndrome; Hereditary neoplastic syndrome. Identifiers: Orphanet 140162, MedGen C0027672, MeSH D009386, MONDO:0015356.

Allele frequency attached by ClinVar (database versions not stated): gnomAD 0.00001.

Submission:

Ambry Genetics
Classification: Uncertain significance for Hereditary cancer-predisposing syndrome. Last evaluated: 2024-01-22. Review status: criteria provided, single submitter. Criteria: Ambry Variant Classification Scheme 2023. Collection method: clinical testing. Allele origin: germline.
Comment: The p.L265I variant (also known as c.793T>A), located in coding exon 3 of the XRCC2 gene, results from a T to A substitution at nucleotide position 793. The leucine at codon 265 is replaced by isoleucine, an amino acid with highly similar properties. This amino acid position is poorly conserved in available vertebrate species. In addition, this alteration is predicted to be tolerated by in silico analysis. Since supporting evidence is limited at this time, the clinical significance of this alteration remains unclear.